The following is an entry in ClinVar:

ClinVar aggregate classification (germline): Uncertain significance. Review status: criteria provided, multiple submitters, no conflicts (2 of 4 stars). 2 submissions from 2 submitters: Uncertain significance (2). Last evaluated 2026-04-06.

Allele frequency attached by ClinVar (database versions not stated): TOPMed 0.00006; gnomAD 0.00007; ExAC 0.00003; gnomAD exomes 0.00007; ESP Exome Variant Server 0.00016.
gnomAD v4.1: 126 of 1,613,850 alleles (0.0078%); highest among the groups gnomAD compares: Non-Finnish European, 0.0098%; no homozygotes.

Submissions (2):

Ambry Genetics
Classification: Uncertain significance. Last evaluated: 2026-04-06. Review status: criteria provided, single submitter. Criteria: Ambry Variant Classification Scheme 2023. Collection method: clinical testing. Allele origin: germline.
Comment: The c.816C>G (p.D272E) alteration is located in exon 6 (coding exon 5) of the DNAH1 gene. This alteration results from a C to G substitution at nucleotide position 816, causing the aspartic acid (D) at amino acid position 272 to be replaced by a glutamic acid (E). Based on data from gnomAD, the G allele has an overall frequency of 0.002% (5/280520) total alleles studied. The highest observed frequency was 0.004% (5/128392) of European (non-Finnish) alleles. Based on insufficient or conflicting evidence, the clinical significance of this alteration remains unclear.

GeneDx
Classification: Uncertain significance. Last evaluated: 2022-11-27. Review status: criteria provided, single submitter. Criteria: GeneDx Variant Classification Process June 2021. Collection method: clinical testing. Allele origin: germline. Affected: yes.
Comment: In silico analysis supports that this missense variant does not alter protein structure/function; Has not been previously published as pathogenic or benign to our knowledge

NM_015512.5(DNAH1):c.816C>G (p.Asp272Glu)

Gene: DNAH1 (dynein axonemal heavy chain 1; plus strand). Cytogenetic location: 3p21.1.
Variant type: single nucleotide variant.
Coding change: c.816C>G on transcript NM_015512.5 (MANE Select); coding-DNA position 816, C replaced by G.
Protein change: p.Asp272Glu; replaces aspartic acid 272 with glutamic acid.
Molecular consequence: missense variant.
Genome position (GRCh38, 1-based): chr3:52,327,959, C>G. VCF-style: chr3-52327959-C-G. GRCh37 (hg19) VCF-style: chr3-52361975-C-G.
Other names: short protein forms D272E.
Identifiers: ClinVar variation 2503191 (VCV002503191.2), dbSNP rs368098748, ClinGen allele CA2432773.